The following is an entry in ClinVar:

NM_005257.6(GATA6):c.805C>T (p.Pro269Ser)

Gene: GATA6 (GATA binding protein 6; plus strand). Cytogenetic location: 18q11.2.
Variant type: single nucleotide variant.
Coding change: c.805C>T on transcript NM_005257.6 (MANE Select); coding-DNA position 805, C replaced by T.
Protein change: p.Pro269Ser; replaces proline 269 with serine.
Molecular consequence: missense variant.
Genome position (GRCh38, 1-based): chr18:22,171,949, C>T. VCF-style: chr18-22171949-C-T. GRCh37 (hg19) VCF-style: chr18-19751910-C-T.
Other names: short protein forms P269S.
Identifiers: ClinVar variation 3906609 (VCV003906609.1).

ClinVar aggregate classification (germline): Uncertain significance (1 of 4 stars; one submission).

Submission:

GeneDx
Classification: Uncertain significance. Last evaluated: 2024-12-17. Review status: criteria provided, single submitter. Criteria: GeneDx Variant Classification Process June 2021. Collection method: clinical testing. Allele origin: germline. Affected: yes.
Comment: Not observed at significant frequency in large population cohorts (gnomAD); In silico analysis supports that this missense variant has a deleterious effect on protein structure/function; Has not been previously published as pathogenic or benign to our knowledge